The following is an entry in ClinVar:

NM_004006.3(DMD):c.6571C>T (p.Arg2191Trp)

Gene: DMD (dystrophin; minus strand). Cytogenetic location: Xp21.1.
Variant type: single nucleotide variant.
Coding change: c.6571C>T on transcript NM_004006.3 (MANE Select); coding-DNA position 6571, C replaced by T.
Protein change: p.Arg2191Trp; replaces arginine 2191 with tryptophan.
Molecular consequence: missense variant. On other transcripts: 5 prime UTR variant (5).
Genome position (GRCh38, 1-based): chrX:31,968,382, G>A on the plus strand (C>T on the coding strand, the complement: DMD is on the minus strand). VCF-style: chrX-31968382-G-A. GRCh37 (hg19) VCF-style: chrX-31986499-G-A.
Other names: c.6547C>T, p.Arg2183Trp (NM_000109.4); c.6559C>T, p.Arg2187Trp (NM_004009.3); c.6202C>T, p.Arg2068Trp (NM_004010.3); c.2548C>T, p.Arg850Trp (NM_004011.4); c.2539C>T, p.Arg847Trp (NM_004012.4); c.-810C>T (NM_004013.3, NM_004020.4, NM_004021.3 and 2 more transcripts); short protein forms R2191W, R2183W, R2187W, R850W, R2068W, R847W.
Identifiers: ClinVar variation 197522 (VCV000197522.72), dbSNP rs149322279, ClinGen allele CA202935.

ClinVar aggregate classification (germline): Benign/Likely benign. Review status: criteria provided, multiple submitters, no conflicts (2 of 4 stars). 18 submissions from 18 submitters: Benign (7); Likely benign (7). 4 of the submissions do not count toward it. Last evaluated 2026-01-31.

Conditions:
Duchenne or Becker muscular dystrophy.
DMD-related disorder. Also called: DMD-related condition.
Becker muscular dystrophy (BMD). Also called: MUSCULAR DYSTROPHY, PSEUDOHYPERTROPHIC PROGRESSIVE, BECKER TYPE; Becker Muscular Dystrophy (BMD). Identifiers: Orphanet 98895, MedGen C0917713, MONDO:0010311, OMIM 300376.
Cardiomyopathy (CMYO). Also called: Cardiomyopathies. Identifiers: Orphanet 167848, MedGen C0878544, MONDO:0004994, HP:0001638. Inheritance: Various modes of inheritance.
Dystrophin deficiency.
Duchenne muscular dystrophy (DMD). Also called: MUSCULAR DYSTROPHY, PSEUDOHYPERTROPHIC PROGRESSIVE, DUCHENNE TYPE; Duchenne Muscular Dystrophy (DMD). Identifiers: Orphanet 98896, MedGen C0013264, MONDO:0010679, OMIM 310200.
Cardiovascular phenotype. Identifiers: MedGen CN230736.

Allele frequency attached by ClinVar (database versions not stated): gnomAD 0.00020 and 0.00022; gnomAD exomes 0.00022 and 0.00039; ESP Exome Variant Server 0.00028; TOPMed 0.00037; ExAC 0.00039.
gnomAD v4.1: 270 of 1,208,397 alleles (0.022%); highest among the groups gnomAD compares: Admixed American, 0.055%; no homozygotes.

Submissions (18):

Labcorp Genetics (formerly Invitae), Labcorp
Classification: Benign for Duchenne muscular dystrophy. Last evaluated: 2026-01-31. Review status: criteria provided, single submitter. Criteria: Invitae Variant Classification Sherloc (09022015). Collection method: clinical testing. Allele origin: germline.

Cambridge Genomics Laboratory, East Genomic Laboratory Hub, NHS Genomic Medicine Service
Classification: Likely benign for Duchenne or Becker muscular dystrophy. Last evaluated: 2025-05-07. Review status: criteria provided, single submitter. Criteria: ACGS Best Practice Guidelines for Variant Classification in Rare Disease 2020. Collection method: clinical testing. Allele origin: germline. Affected: yes.
Comment: BS1_Strong,BP4

Molecular Diagnostic Laboratory for Inherited Cardiovascular Disease, Montreal Heart Institute
Classification: Likely benign. Last evaluated: 2025-04-08. Review status: criteria provided, single submitter. Criteria: ACMG Guidelines, 2015. Collection method: clinical testing. Allele origin: germline. Affected: no.
Comment: BS1;BP1;BP4

Blueprint Genetics
Classification: Benign. Last evaluated: 2024-10-30. Review status: criteria provided, single submitter. Criteria: ACMG Guidelines, 2015. Collection method: clinical testing. Allele origin: germline.

CeGaT Center for Human Genetics Tuebingen
Classification: Likely benign. Last evaluated: 2024-06-01. Review status: criteria provided, single submitter. Criteria: CeGaT Center For Human Genetics Tuebingen Variant Classification Criteria Version 2. Collection method: clinical testing. Allele origin: germline. Affected: yes. Observed: 3 variant alleles.
Comment: DMD: BP4, BS2

ARUP Laboratories, Molecular Genetics and Genomics, ARUP Laboratories
Classification: Likely benign. Last evaluated: 2024-03-26. Review status: criteria provided, single submitter. Criteria: ARUP Molecular Germline Variant Investigation Process 2024. Collection method: clinical testing. Allele origin: germline.

Women's Health and Genetics/Laboratory Corporation of America, LabCorp
Classification: Benign. Last evaluated: 2019-06-03. Review status: criteria provided, single submitter. Criteria: LabCorp Variant Classification Summary - May 2015. Collection method: clinical testing. Allele origin: germline.
Comment: Variant summary: DMD c.6571C>T (p.Arg2191Trp) results in a non-conservative amino acid change located in the Spectrin/alpha-actinin domain of the encoded protein sequence. Four of five in-silico tools predict a damaging effect of the variant on protein function. The variant allele was found at a frequency of 0.00039 in 182792 control chromosomes including 28 hemizygotes. The observed variant frequency is approximately 35-folds higher than the estimated maximal expected allele frequency for a pathogenic variant in DMD causing Dystrophinopathies phenotype (1.1e-05), strongly suggesting that the variant is benign. Co-occurrences with other pathogenic variant(s) have been reported (DMD c.2665C>T, p.Arg889X), providing supporting evidence for a benign role. Seven ClinVar submissions from clinical diagnostic laboratories (evaluation after 2014) cite the variant six times as likely benign/benign and once as uncertain significance. Based on the evidence outlined above, the variant was classified as benign.

GeneDx
Classification: Benign. Last evaluated: 2019-04-04. Review status: criteria provided, single submitter. Criteria: GeneDx Variant Classification Process June 2021. Collection method: clinical testing. Allele origin: germline. Affected: yes.
Comment: This variant is associated with the following publications: (PMID: 10573008, 7599634, 7849724, 11710958)

Laboratory for Molecular Medicine, Mass General Brigham Personalized Medicine
Classification: Likely benign. Last evaluated: 2018-06-29. Review status: criteria provided, single submitter. Criteria: LMM Criteria. Collection method: clinical testing. Allele origin: germline. Observed: 1 variant allele.
Comment: The p.Arg2191Trp variant in DMD is classified as likely benign because it has be en identified in 0.03% (9/47899) of European chromosomes, including 14 hemizygot es, by the Genome Aggregation Database (gnomAD ; dbSNP rs149322279). It has also been reported in 3 individuals with clinical features of Duchenne Muscular Dystrophy, one of whom carried another pathogenic variant sufficient to cause disease (Nigro 1994, Kneppers 1995, Bennett 2001). ACMG/AMP Criteria applied: BS1, BP1, BP2.

Stanford Center for Inherited Cardiovascular Disease, Stanford University
Classification: Likely benign. Last evaluated: 2017-11-08. Review status: criteria provided, single submitter. Criteria: ACMG Guidelines, 2015. Collection method: provider interpretation. Allele origin: germline.

Ambry Genetics
Classification: Benign for Cardiovascular phenotype. Last evaluated: 2017-06-28. Review status: criteria provided, single submitter. Criteria: Ambry Variant Classification Scheme 2023. Collection method: clinical testing. Allele origin: germline.

Genetic Services Laboratory, University of Chicago
Classification: Likely benign. Last evaluated: 2016-11-22. Review status: criteria provided, single submitter. Criteria: ACMG Guidelines, 2015. Collection method: clinical testing. Allele origin: germline. Affected: no.

Athena Diagnostics
Classification: Benign. Last evaluated: 2016-09-27. Review status: criteria provided, single submitter. Criteria: Athena Diagnostics Criteria. Collection method: clinical testing. Allele origin: germline.

Eurofins Ntd Llc (ga)
Classification: Benign. Last evaluated: 2015-04-13. Review status: criteria provided, single submitter. Criteria: EGL Classification Definitions 2015. Collection method: clinical testing. Allele origin: germline. Observed: 1 variant allele, 1 heterozygote.

PreventionGenetics, part of Exact Sciences
Classification: Likely benign for DMD-related condition. Last evaluated: 2020-01-06. Review status: no assertion criteria provided. Collection method: clinical testing. Allele origin: germline. Not counted in ClinVar's aggregate classification.
Comment: This variant is classified as likely benign based on ACMG/AMP sequence variant interpretation guidelines (Richards et al. 2015 PMID: 25741868, with internal and published modifications).

Natera, Inc.
Classification: Likely benign for Becker muscular dystrophy; Cardiomyopathy; Duchenne muscular dystrophy; Dystrophin deficiency. Last evaluated: 2019-06-21. Review status: no assertion criteria provided. Collection method: clinical testing. Allele origin: germline. Not counted in ClinVar's aggregate classification.

Clinical Genetics DNA and cytogenetics Diagnostics Lab, Erasmus MC, Erasmus Medical Center
Classification: Likely benign. Review status: no assertion criteria provided. Collection method: clinical testing. Allele origin: germline. Affected: yes. Study: VKGL Data-share Consensus. Not counted in ClinVar's aggregate classification.

Diagnostic Laboratory, Department of Genetics, University Medical Center Groningen
Classification: Likely benign. Review status: no assertion criteria provided. Collection method: clinical testing. Allele origin: germline. Affected: yes. Study: VKGL Data-share Consensus. Not counted in ClinVar's aggregate classification.

Literature cited by the submitters: PubMed 7849724 (cited by Laboratory for Molecular Medicine, Mass General Brigham Personalized Medicine and Athena Diagnostics); PubMed 11710958 (cited by Laboratory for Molecular Medicine, Mass General Brigham Personalized Medicine and Athena Diagnostics); PubMed 7599634 (cited by Laboratory for Molecular Medicine, Mass General Brigham Personalized Medicine and Athena Diagnostics).